The following is an entry in ClinVar:

NM_001385079.1(PDE10A):c.3154G>T (p.Ala1052Ser)

Gene: PDE10A (phosphodiesterase 10A; minus strand). Cytogenetic location: 6q27.
Variant type: single nucleotide variant.
Coding change: c.3154G>T on transcript NM_001385079.1 (MANE Select); coding-DNA position 3154, G replaced by T.
Protein change: p.Ala1052Ser; replaces alanine 1052 with serine.
Molecular consequence: missense variant.
Genome position (GRCh38, 1-based): chr6:165,333,039, C>A on the plus strand (G>T on the coding strand, the complement: PDE10A is on the minus strand). VCF-style: chr6-165333039-C-A. GRCh37 (hg19) VCF-style: chr6-165746528-C-A.
Other names: c.2356G>T, p.Ala786Ser (NM_001130690.3); c.2326G>T, p.Ala776Ser (NM_006661.4); c.2356G>T (NM_001130690.1); short protein forms A776S, A1052S, A786S.
Identifiers: ClinVar variation 1507084 (VCV001507084.7), dbSNP rs753303000, ClinGen allele CA4091900.

ClinVar aggregate classification (germline): Uncertain significance. Review status: criteria provided, multiple submitters, no conflicts (2 of 4 stars). 2 submissions from 2 submitters: Uncertain significance (2). Last evaluated 2023-08-08.

Conditions:
Inborn genetic diseases. Identifiers: MedGen C0950123, MeSH D030342.

Allele frequency attached by ClinVar (database versions not stated): gnomAD 0.00001; ExAC 0.00002.
gnomAD v4.1: 32 of 1,602,086 alleles (0.002%); highest among the groups gnomAD compares: Non-Finnish European, 0.0026%; no homozygotes.

Submissions (2):

Ambry Genetics
Classification: Uncertain significance for Inborn genetic diseases. Last evaluated: 2023-08-08. Review status: criteria provided, single submitter. Criteria: Ambry Variant Classification Scheme 2023. Collection method: clinical testing. Allele origin: germline.

Labcorp Genetics (formerly Invitae), Labcorp
Classification: Uncertain significance. Last evaluated: 2022-10-13. Review status: criteria provided, single submitter. Criteria: Invitae Variant Classification Sherloc (09022015). Collection method: clinical testing. Allele origin: germline.
Comment: This sequence change replaces alanine, which is neutral and non-polar, with serine, which is neutral and polar, at codon 786 of the PDE10A protein (p.Ala786Ser). This variant is present in population databases (rs753303000, gnomAD 0.007%). This variant has not been reported in the literature in individuals affected with PDE10A-related conditions. ClinVar contains an entry for this variant (Variation ID: 1507084). Algorithms developed to predict the effect of missense changes on protein structure and function output the following: SIFT: "Tolerated"; PolyPhen-2: "Benign"; Align-GVGD: "Class C0". The serine amino acid residue is found in multiple mammalian species, which suggests that this missense change does not adversely affect protein function. In summary, the available evidence is currently insufficient to determine the role of this variant in disease. Therefore, it has been classified as a Variant of Uncertain Significance.